The following is an entry in ClinVar:

ClinVar aggregate classification (germline): Benign/Likely benign. Review status: criteria provided, multiple submitters, no conflicts (2 of 4 stars). 3 submissions from 3 submitters: Benign (1); Likely benign (2). Last evaluated 2026-02-24.

Conditions:
Hereditary cancer-predisposing syndrome. Also called: Tumor predisposition; Neoplastic Syndromes, Hereditary; Hereditary Cancer Syndrome; Hereditary neoplastic syndrome. Identifiers: Orphanet 140162, MedGen C0027672, MeSH D009386, MONDO:0015356.
Familial adenomatous polyposis 1 (FAP1). Also called: POLYPOSIS, ADENOMATOUS INTESTINAL; FAMILIAL ADENOMATOUS POLYPOSIS 1, ATTENUATED. Identifiers: MedGen C2713442, MONDO:0021056, OMIM 175100. Disease mechanism: loss of function.

gnomAD v4.1: 1 of 1,612,922 alleles (0.000062%); highest among the groups gnomAD compares: Non-Finnish European, 0.000085%; no homozygotes.

Submissions (3):

Ambry Genetics
Classification: Likely benign for Hereditary cancer-predisposing syndrome. Last evaluated: 2026-02-24. Review status: criteria provided, single submitter. Criteria: Ambry Variant Classification Scheme 2023. Collection method: clinical testing. Allele origin: germline.

Myriad Genetics, Inc.
Classification: Benign for Familial adenomatous polyposis 1. Last evaluated: 2024-03-07. Review status: criteria provided, single submitter. Criteria: Myriad Autosomal Dominant, Autosomal Recessive and X-Linked Classification Criteria (2023). Collection method: clinical testing. Allele origin: unknown.
Comment: This variant is considered benign. This variant is a silent/synonymous amino acid change and it is not expected to impact splicing.

Labcorp Genetics (formerly Invitae), Labcorp
Classification: Likely benign. Last evaluated: 2018-06-13. Review status: criteria provided, single submitter. Criteria: Invitae Variant Classification Sherloc (09022015). Collection method: clinical testing. Allele origin: germline.

NM_000038.6(APC):c.1554G>T (p.Thr518=)

Gene: APC (APC regulator of Wnt signaling pathway; plus strand). Cytogenetic location: 5q22.2.
Variant type: single nucleotide variant.
Coding change: c.1554G>T on transcript NM_000038.6 (MANE Select); coding-DNA position 1554, G replaced by T.
Protein change: p.Thr518=; no amino-acid change (threonine 518 retained).
Molecular consequence: synonymous variant.
Genome position (GRCh38, 1-based): chr5:112,827,934, G>T. VCF-style: chr5-112827934-G-T. GRCh37 (hg19) VCF-style: chr5-112163631-G-T.
Other names: c.1554G>T, p.Thr518= (NM_001127510.3, NM_001354895.2); c.1500G>T, p.Thr500= (NM_001127511.3); c.1608G>T, p.Thr536= (NM_001354896.2); c.1584G>T, p.Thr528= (NM_001354897.2); c.1479G>T, p.Thr493= (NM_001354898.2); c.1470G>T, p.Thr490= (NM_001354899.2); c.1431G>T, p.Thr477= (NM_001354900.2); c.1377G>T, p.Thr459= (NM_001354901.2); and 5 more.
Identifiers: ClinVar variation 754892 (VCV000754892.5), dbSNP rs546568052, ClinGen allele CA445756657.